The following is an entry in ClinVar:

ClinVar aggregate classification (germline): Benign/Likely benign. Review status: criteria provided, multiple submitters, no conflicts (2 of 4 stars). 3 submissions from 3 submitters: Benign (1); Likely benign (2). Last evaluated 2024-12-31.

Conditions:
Hereditary cancer-predisposing syndrome. Also called: Neoplastic Syndromes, Hereditary; Tumor predisposition; Hereditary Cancer Syndrome; Hereditary neoplastic syndrome. Identifiers: Orphanet 140162, MedGen C0027672, MeSH D009386, MONDO:0015356.
Lynch syndrome 5 (LYNCH5). Also called: Colorectal cancer, hereditary nonpolyposis, type 5; Hereditary non-polyposis colorectal cancer, type 5. Identifiers: Orphanet 144, MedGen C1833477, MONDO:0013710, OMIM 614350. Disease mechanism: loss of function.
Hereditary nonpolyposis colorectal neoplasms. Identifiers: MedGen C0009405, MeSH D003123.

Submissions (3):

Myriad Genetics, Inc.
Classification: Benign for Lynch syndrome 5. Last evaluated: 2024-12-31. Review status: criteria provided, single submitter. Criteria: Myriad Autosomal Dominant, Autosomal Recessive and X-Linked Classification Criteria (2023). Collection method: clinical testing. Allele origin: unknown.
Comment: This variant is considered benign. This variant is a silent/synonymous amino acid change and it is not expected to impact splicing.

Labcorp Genetics (formerly Invitae), Labcorp
Classification: Likely benign for Hereditary nonpolyposis colorectal neoplasms. Last evaluated: 2022-10-13. Review status: criteria provided, single submitter. Criteria: Invitae Variant Classification Sherloc (09022015). Collection method: clinical testing. Allele origin: germline.

Ambry Genetics
Classification: Likely benign for Hereditary cancer-predisposing syndrome. Last evaluated: 2018-01-10. Review status: criteria provided, single submitter. Criteria: Ambry Variant Classification Scheme 2023. Collection method: clinical testing. Allele origin: germline.

NM_000179.3(MSH6):c.2466C>G (p.Leu822=)

Gene: MSH6 (mutS homolog 6; plus strand). Cytogenetic location: 2p16.3.
Variant type: single nucleotide variant.
Coding change: c.2466C>G on transcript NM_000179.3 (MANE Select); coding-DNA position 2466, C replaced by G.
Protein change: p.Leu822=; no amino-acid change (leucine 822 retained).
Molecular consequence: synonymous variant.
Genome position (GRCh38, 1-based): chr2:47,800,449, C>G. VCF-style: chr2-47800449-C-G. GRCh37 (hg19) VCF-style: chr2-48027588-C-G.
Other names: c.2076C>G, p.Leu692= (NM_001281492.2); c.1560C>G, p.Leu520= (NM_001281493.2, NM_001281494.2).
Identifiers: ClinVar variation 821325 (VCV000821325.14), dbSNP rs1558665545, ClinGen allele CA426121941.